The following is an entry in ClinVar:

NM_025074.7(FRAS1):c.1547C>T (p.Ser516Phe)

Gene: FRAS1 (Fraser extracellular matrix complex subunit 1; plus strand). Cytogenetic location: 4q21.21.
Variant type: single nucleotide variant.
Coding change: c.1547C>T on transcript NM_025074.7 (MANE Select); coding-DNA position 1547, C replaced by T.
Protein change: p.Ser516Phe; replaces serine 516 with phenylalanine.
Molecular consequence: missense variant.
Genome position (GRCh38, 1-based): chr4:78,308,078, C>T. VCF-style: chr4-78308078-C-T. GRCh37 (hg19) VCF-style: chr4-79229232-C-T.
Other names: c.1547C>T, p.Ser516Phe (NM_001166133.2); short protein forms S516F.
Identifiers: ClinVar variation 2130452 (VCV002130452.1), dbSNP rs1233328811, ClinGen allele CA357366978.
Genomic context (GRCh38, chr4:78,308,078, plus strand): 5'-AGTCCTTTCTGCCGTAGATTACTCACTGATTTTGCTATTCGTCTGCAGTCTGCCATGAGT[C>T]CTGTGCAGGTTGCTGGGGCCCAACGGAGAAGCACTGCTTGGCCTGCAGAGATCCCCTCCA-3'
Protein context (NP_079350.5, residues 506-526): DRHSCAVCHE[Ser516Phe]CAGCWGPTEK

ClinVar aggregate classification (germline): Uncertain significance (1 of 4 stars; one submission).

Allele frequency attached by ClinVar (database versions not stated): gnomAD 0.00001; TOPMed 0.00001.
gnomAD v4.1: 2 of 1,612,320 alleles (0.00012%); highest among the groups gnomAD compares: African/African-American, 0.0013%; no homozygotes.

Submission:

Labcorp Genetics (formerly Invitae), Labcorp
Classification: Uncertain significance. Last evaluated: 2022-04-25. Review status: criteria provided, single submitter. Criteria: Invitae Variant Classification Sherloc (09022015). Collection method: clinical testing. Allele origin: germline.
Comment: This sequence change replaces serine, which is neutral and polar, with phenylalanine, which is neutral and non-polar, at codon 516 of the FRAS1 protein (p.Ser516Phe). This variant is not present in population databases (gnomAD no frequency). This variant has not been reported in the literature in individuals affected with FRAS1-related conditions. Algorithms developed to predict the effect of missense changes on protein structure and function are either unavailable or do not agree on the potential impact of this missense change (SIFT: "Deleterious"; PolyPhen-2: "Benign"; Align-GVGD: "Class C15"). In summary, the available evidence is currently insufficient to determine the role of this variant in disease. Therefore, it has been classified as a Variant of Uncertain Significance.